The following is an entry in ClinVar:

ClinVar aggregate classification (germline): Uncertain significance (1 of 4 stars; one submission).

Conditions:
Autosomal recessive limb-girdle muscular dystrophy type R18 (LGMDR18). Also called: Limb-girdle muscular dystrophy, type 2S; MUSCULAR DYSTROPHY, LIMB-GIRDLE, AUTOSOMAL RECESSIVE 18; Autosomal recessive limb-girdle muscular dystrophy type 2S. Identifiers: Orphanet 369840, MedGen C4517996, MONDO:0014144, OMIM 615356.

Allele frequency attached by ClinVar (database versions not stated): ExAC 0.00002.
gnomAD v4.1: 4 of 1,603,202 alleles (0.00025%); highest among the groups gnomAD compares: South Asian, 0.0034%; no homozygotes.

Submission:

Labcorp Genetics (formerly Invitae), Labcorp
Classification: Uncertain significance for Autosomal recessive limb-girdle muscular dystrophy type R18. Last evaluated: 2021-12-03. Review status: criteria provided, single submitter. Criteria: Invitae Variant Classification Sherloc (09022015). Collection method: clinical testing. Allele origin: germline.
Comment: This sequence change replaces alanine, which is neutral and non-polar, with glycine, which is neutral and non-polar, at codon 891 of the TRAPPC11 protein (p.Ala891Gly). This variant is present in population databases (rs764114529, gnomAD 0.004%). This variant has not been reported in the literature in individuals affected with TRAPPC11-related conditions. Algorithms developed to predict the effect of missense changes on protein structure and function are either unavailable or do not agree on the potential impact of this missense change (SIFT: "Tolerated"; PolyPhen-2: "Possibly Damaging"; Align-GVGD: "Class C0"). In summary, the available evidence is currently insufficient to determine the role of this variant in disease. Therefore, it has been classified as a Variant of Uncertain Significance.

NM_021942.6(TRAPPC11):c.2672C>G (p.Ala891Gly)

Gene: TRAPPC11 (trafficking protein particle complex subunit 11; plus strand). Cytogenetic location: 4q35.1.
Variant type: single nucleotide variant.
Coding change: c.2672C>G on transcript NM_021942.6 (MANE Select); coding-DNA position 2672, C replaced by G.
Protein change: p.Ala891Gly; replaces alanine 891 with glycine.
Molecular consequence: missense variant.
Genome position (GRCh38, 1-based): chr4:183,697,546, C>G. VCF-style: chr4-183697546-C-G. GRCh37 (hg19) VCF-style: chr4-184618699-C-G.
Other names: c.2672C>G, p.Ala891Gly (NM_199053.3); short protein forms A891G.
Identifiers: ClinVar variation 1486355 (VCV001486355.5), dbSNP rs764114529, ClinGen allele CA3152269.
Genomic context (GRCh38, chr4:183,697,546, plus strand): 5'-TTTACATTTTCTTGCAGGATGAAACTGTAACAATTGAAACAGTCTTTCCATTTGATGTTG[C>G]GGTTAAATTTGTTTCTACCAAGGTATGTTTCTTTGAGGCATACTAGAAATCATTTAGGTT-3'
Protein context (NP_068761.4, residues 881-901): TIETVFPFDV[Ala891Gly]VKFVSTKFEH